The following is an entry in ClinVar:

ClinVar aggregate classification (germline): Uncertain significance. Review status: criteria provided, multiple submitters, no conflicts (2 of 4 stars). 2 submissions from 2 submitters: Uncertain significance (2). Last evaluated 2026-01-18.

Conditions:
Tuberous sclerosis syndrome (TSC). Also called: Tuberous Sclerosis Complex; Tuberous sclerosis. Identifiers: Orphanet 805, MedGen C0041341, MONDO:0001734.
Tuberous sclerosis 2 (TSC2). Identifiers: Orphanet 805, MedGen C1860707, MONDO:0013199, OMIM 613254.

Submissions (2):

Labcorp Genetics (formerly Invitae), Labcorp
Classification: Uncertain significance for Tuberous sclerosis 2. Last evaluated: 2026-01-18. Review status: criteria provided, single submitter. Criteria: Invitae Variant Classification Sherloc (09022015). Collection method: clinical testing. Allele origin: germline.
Comment: This sequence change falls in intron 1 of the TSC2 gene. It does not directly change the encoded amino acid sequence of the TSC2 protein. It affects a nucleotide within the consensus splice site. This variant is not present in population databases (gnomAD no frequency). This variant has not been reported in the literature in individuals affected with TSC2-related conditions. ClinVar contains an entry for this variant (Variation ID: 2202570). Variants that disrupt the consensus splice site are a relatively common cause of aberrant splicing (PMID: 17576681, 9536098). In summary, the available evidence is currently insufficient to determine the role of this variant in disease. Therefore, it has been classified as a Variant of Uncertain Significance.

All of Us Research Program, National Institutes of Health
Classification: Uncertain significance for Tuberous sclerosis syndrome. Last evaluated: 2023-12-15. Review status: criteria provided, single submitter. Criteria: ACMG Guidelines, 2015. Collection method: clinical testing. Allele origin: germline. Inheritance: Autosomal dominant inheritance. Observed: 1 variant allele, 1 heterozygote.
Comment: This study involves interpretation of variants in research participants for the purpose of population health screening. Participant phenotype was not available at the time of variant classification. Additional details can be found in publication PMID: 35346344, PMCID: PMC8962531

Literature cited by the submitters: PubMed 17576681 (cited by Labcorp Genetics (formerly Invitae), Labcorp); PubMed 9536098 (cited by Labcorp Genetics (formerly Invitae), Labcorp).

NM_000548.5(TSC2):c.-33_-30+10del

Genes: TSC2 (TSC complex subunit 2; plus strand), LOC130058210 (ATAC-STARR-seq lymphoblastoid silent region 7024; plus strand). Cytogenetic location: 16p13.3.
Variant type: Deletion.
Coding change: c.-33_-30+10del on transcript NM_000548.5 (MANE Select); 33 bases upstream of the start codon through 10 bases into the intron after 30 bases upstream of the start codon, 14 bases deleted (CGGGGTAAGTGGCG).
Molecular consequence: splice donor variant.
Genome position (GRCh38, 1-based): chr16:2,048,062-2,048,075, CGGGGTAAGTGGCG deleted; deleting any 14 consecutive bases within chr16:2,048,058-2,048,075 gives the same sequence; the c. name uses the placement nearest the transcript's 3' end. VCF-style (leftmost placement, unchanged base first): chr16-2048057-CGGCGCGGGGTAAGT-C. GRCh37 (hg19) VCF-style: chr16-2098058-CGGCGCGGGGTAAGT-C.
Other names: c.-33_-30+10del (NM_001114382.3, NM_021055.3, NM_001370405.1 and 4 more transcripts); c.-259_-256+10del (NM_001318831.2); c.-13_-10+10del (NM_001318829.2).
Identifiers: ClinVar variation 2202570 (VCV002202570.4), dbSNP rs2548336887, ClinGen allele CA2580090526.
Genomic context (GRCh38, chr16:2,048,057, plus strand): 5'-GTCCCGGGGCCAGGGGGGTGCGCCTTTCTCCGCGTCGGGGCGGCCCGGAGCGCGGTGGCG[CGGCGCGGGGTAAGT>C]GGCGGTCCCCACGGGGCAAGTGGCGGTCCCCACGGGGCAGCGGCCTAGAGAGGCGGACCC-3'